The following is an entry in ClinVar:

NM_003901.4(SGPL1):c.868T>C (p.Phe290Leu)

Gene: SGPL1 (sphingosine-1-phosphate lyase 1; plus strand). Cytogenetic location: 10q22.1.
Variant type: single nucleotide variant.
Coding change: c.868T>C on transcript NM_003901.4 (MANE Select); coding-DNA position 868, T replaced by C.
Protein change: p.Phe290Leu; replaces phenylalanine 290 with leucine.
Molecular consequence: missense variant.
Genome position (GRCh38, 1-based): chr10:70,871,105, T>C. VCF-style: chr10-70871105-T-C. GRCh37 (hg19) VCF-style: chr10-72630862-T-C.
Other names: short protein forms F290L.
Identifiers: ClinVar variation 2571782 (VCV002571782.1), dbSNP rs2492798769, ClinGen allele CA377123424.
Genomic context (GRCh38, chr10:70,871,105, plus strand): 5'-TAGGCAATGAGAAGAGCTATCTCCAGGAACACTGCCATGCTCGTCTGTTCTACCCCACAG[T>C]TTCCTCATGGTGTAATAGATCCTGTCCCTGAAGTGGCCAAGGTATATGAGAGAAATGGGC-3'
Protein context (NP_003892.2, residues 280-300): TAMLVCSTPQ[Phe290Leu]PHGVIDPVPE

ClinVar aggregate classification (germline): Likely pathogenic (1 of 4 stars; one submission).

Submission:

GeneDx
Classification: Likely pathogenic. Last evaluated: 2023-06-21. Review status: criteria provided, single submitter. Criteria: GeneDx Variant Classification Process June 2021. Collection method: clinical testing. Allele origin: germline. Affected: yes.
Comment: Not observed at significant frequency in large population cohorts (gnomAD); In silico analysis supports that this missense variant has a deleterious effect on protein structure/function; This variant is associated with the following publications: (PMID: 32855188, 32233035, 31844815, 35972040, 36371483, 35904228)